The following is an entry in ClinVar:

ClinVar aggregate classification (germline): Uncertain significance (1 of 4 stars; one submission).

Conditions:
Cone-rod dystrophy 6 (CORD6). Also called: RETINAL CONE DYSTROPHY 2; Cone dystrophy progressive. Identifiers: Orphanet 1872, MedGen C1866293, MONDO:0011143, OMIM 601777.
Leber congenital amaurosis 1 (LCA1). Also called: RETINAL BLINDNESS, CONGENITAL; AMAUROSIS CONGENITA OF LEBER I; Congenital absence of the rods and cones; Leber's congenital tapetoretinal degeneration; Leber's congenital tapetoretinal dysplasia. Identifiers: Orphanet 65, MedGen C2931258, MONDO:0008764, OMIM 204000.

Submission:

Labcorp Genetics (formerly Invitae), Labcorp
Classification: Uncertain significance for Leber congenital amaurosis 1; Cone-rod dystrophy 6. Last evaluated: 2024-07-23. Review status: criteria provided, single submitter. Criteria: Invitae Variant Classification Sherloc (09022015). Collection method: clinical testing. Allele origin: germline.
Comment: This sequence change replaces aspartic acid, which is acidic and polar, with asparagine, which is neutral and polar, at codon 323 of the GUCY2D protein (p.Asp323Asn). This variant is not present in population databases (gnomAD no frequency). This variant has not been reported in the literature in individuals affected with GUCY2D-related conditions. Advanced modeling of protein sequence and biophysical properties (such as structural, functional, and spatial information, amino acid conservation, physicochemical variation, residue mobility, and thermodynamic stability) performed at Invitae indicates that this missense variant is not expected to disrupt GUCY2D protein function with a negative predictive value of 80%. In summary, the available evidence is currently insufficient to determine the role of this variant in disease. Therefore, it has been classified as a Variant of Uncertain Significance.

NM_000180.4(GUCY2D):c.967G>A (p.Asp323Asn)

Gene: GUCY2D (guanylate cyclase 2D, retinal; plus strand). Cytogenetic location: 17p13.1.
Variant type: single nucleotide variant.
Coding change: c.967G>A on transcript NM_000180.4 (MANE Select); coding-DNA position 967, G replaced by A.
Protein change: p.Asp323Asn; replaces aspartic acid 323 with asparagine.
Molecular consequence: missense variant.
Genome position (GRCh38, 1-based): chr17:8,004,097, G>A. VCF-style: chr17-8004097-G-A. GRCh37 (hg19) VCF-style: chr17-7907415-G-A.
Other names: short protein forms D323N.
Identifiers: ClinVar variation 3747913 (VCV003747913.2).
Genomic context (GRCh38, chr17:8,004,097, plus strand): 5'-AGGGCCCACGATGCCGTGCTCACCCTCACGCGCCACTGTCCCTCTGAAGGCAGCGTGCTG[G>A]ACAGCCTGCGCAGGGCTCAAGAGCGCCGCGAGCTGCCCTCTGACCTCAATCTGCAGCAGG-3'
Protein context (NP_000171.1, residues 313-333): RHCPSEGSVL[Asp323Asn]SLRRAQERRE